The following is an entry in ClinVar:

ClinVar aggregate classification (germline): Uncertain significance (1 of 4 stars; one submission).

Allele frequency attached by ClinVar (database versions not stated): gnomAD exomes below 0.00001; TOPMed below 0.00001; gnomAD 0.00001.

Submission:

GeneDx
Classification: Uncertain significance. Last evaluated: 2021-07-23. Review status: criteria provided, single submitter. Criteria: GeneDx Variant Classification Process June 2021. Collection method: clinical testing. Allele origin: germline. Affected: yes.
Comment: Not observed at significant frequency in large population cohorts (Lek et al., 2016); In silico analysis suggests this variant may impact gene splicing. In the absence of RNA/functional studies, the actual effect of this sequence change is unknown.; In silico analysis supports that this missense variant does not alter protein structure/function; Has not been previously published as pathogenic or benign to our knowledge; This variant is associated with the following publications: (PMID: 25413698)

NM_013275.6(ANKRD11):c.7198C>G (p.Leu2400Val)

Gene: ANKRD11 (ankyrin repeat domain containing 11; minus strand). Cytogenetic location: 16q24.3.
Variant type: single nucleotide variant.
Coding change: c.7198C>G on transcript NM_013275.6 (MANE Select); coding-DNA position 7198, C replaced by G.
Protein change: p.Leu2400Val; replaces leucine 2400 with valine.
Molecular consequence: missense variant.
Genome position (GRCh38, 1-based): chr16:89,279,344, G>C on the plus strand (C>G on the coding strand, the complement: ANKRD11 is on the minus strand). VCF-style: chr16-89279344-G-C. GRCh37 (hg19) VCF-style: chr16-89345752-G-C.
Other names: c.7198C>G, p.Leu2400Val (NM_001256182.2, NM_001256183.2); short protein forms L2400V.
Identifiers: ClinVar variation 1254565 (VCV001254565.2), dbSNP rs759740258, ClinGen allele CA286509453.